The following is an entry in ClinVar:

NM_001184.4(ATR):c.11A>G (p.His4Arg)

Gene: ATR (ATR checkpoint kinase; minus strand). Cytogenetic location: 3q23.
Variant type: single nucleotide variant.
Coding change: c.11A>G on transcript NM_001184.4 (MANE Select); coding-DNA position 11, A replaced by G.
Protein change: p.His4Arg; replaces histidine 4 with arginine.
Molecular consequence: missense variant.
Genome position (GRCh38, 1-based): chr3:142,578,694, T>C on the plus strand (A>G on the coding strand, the complement: ATR is on the minus strand). VCF-style: chr3-142578694-T-C. GRCh37 (hg19) VCF-style: chr3-142297536-T-C.
Other names: c.11A>G, p.His4Arg (NM_001354579.2); short protein forms H4R.
Identifiers: ClinVar variation 2020335 (VCV002020335.4), dbSNP rs561216130, ClinGen allele CA2650880.
Genomic context (GRCh38, chr3:142,578,694, plus strand): 5'-GCCTAGCCCTACCTGCCCAGCTCCCGCAGGGCGGGGATCATGGAAGCCAGCTCCAGGCCA[T>C]GTTCCCCCATGCTGAGGCTGCGAGGCACTAGTCAACCACGCCAACGCGGGTTCCCGGCGT-3'
Protein context (NP_001175.2, residues 1-14): MGE[His4Arg]GLELASMIPA

ClinVar aggregate classification (germline): Uncertain significance (1 of 4 stars; one submission).

Allele frequency attached by ClinVar (database versions not stated): gnomAD 0.00003; ExAC 0.00005; 1000 Genomes Project 30x 0.00016; 1000 Genomes Project 0.00020.
gnomAD v4.1: 18 of 1,613,306 alleles (0.0011%); highest among the groups gnomAD compares: South Asian, 0.0055%; no homozygotes.

Submission:

Labcorp Genetics (formerly Invitae), Labcorp
Classification: Uncertain significance. Last evaluated: 2024-06-30. Review status: criteria provided, single submitter. Criteria: Invitae Variant Classification Sherloc (09022015). Collection method: clinical testing. Allele origin: germline.
Comment: This sequence change replaces histidine, which is basic and polar, with arginine, which is basic and polar, at codon 4 of the ATR protein (p.His4Arg). This variant is present in population databases (rs561216130, gnomAD 0.01%). This variant has not been reported in the literature in individuals affected with ATR-related conditions. ClinVar contains an entry for this variant (Variation ID: 2020335). An algorithm developed to predict the effect of missense changes on protein structure and function (PolyPhen-2) suggests that this variant is likely to be tolerated. In summary, the available evidence is currently insufficient to determine the role of this variant in disease. Therefore, it has been classified as a Variant of Uncertain Significance.